The following is an entry in ClinVar:

ClinVar aggregate classification (germline): Likely benign (1 of 4 stars; one submission).

Allele frequency attached by ClinVar (database versions not stated): gnomAD exomes 0.00013; ExAC 0.00043; ESP Exome Variant Server 0.00064; TOPMed 0.00120; gnomAD 0.00127; 1000 Genomes Project 30x 0.00203; 1000 Genomes Project 0.00220.
gnomAD v4.1: 393 of 1,613,572 alleles (0.024%); highest among the groups gnomAD compares: African/African-American, 0.45%; 1 homozygote.

Submission:

CeGaT Center for Human Genetics Tuebingen
Classification: Likely benign. Last evaluated: 2024-04-01. Review status: criteria provided, single submitter. Criteria: CeGaT Center For Human Genetics Tuebingen Variant Classification Criteria Version 2. Collection method: clinical testing. Allele origin: germline. Affected: yes. Observed: 2 variant alleles.
Comment: TET3: BP4, BP7, BS1

NM_001287491.2(TET3):c.3225C>T (p.His1075=)

Gene: TET3 (tet methylcytosine dioxygenase 3; plus strand). Cytogenetic location: 2p13.1.
Variant type: single nucleotide variant.
Coding change: c.3225C>T on transcript NM_001287491.2 (MANE Select); coding-DNA position 3225, C replaced by T.
Protein change: p.His1075=; no amino-acid change (histidine 1075 retained).
Molecular consequence: synonymous variant.
Genome position (GRCh38, 1-based): chr2:74,093,624, C>T. VCF-style: chr2-74093624-C-T. GRCh37 (hg19) VCF-style: chr2-74320751-C-T.
Other names: c.2946C>T, p.His982= (NM_001366022.1); c.2820C>T, p.His940= (NM_144993.1).
Identifiers: ClinVar variation 3025618 (VCV003025618.22), dbSNP rs200467099, ClinGen allele CA1718954.